The following is an entry in ClinVar:

ClinVar aggregate classification (germline): Uncertain significance (1 of 4 stars; one submission).

Conditions:
Neuroblastoma, susceptibility to, 3. Also called: ALK-Related Neuroblastic Tumor Susceptibility. Identifiers: Orphanet 635, MedGen C2751681, MONDO:0013083, OMIM 613014.

Submission:

Labcorp Genetics (formerly Invitae), Labcorp
Classification: Uncertain significance for Neuroblastoma, susceptibility to, 3. Last evaluated: 2020-09-01. Review status: criteria provided, single submitter. Criteria: Invitae Variant Classification Sherloc (09022015). Collection method: clinical testing. Allele origin: germline.
Comment: This sequence change replaces arginine with proline at codon 1432 of the ALK protein (p.Arg1432Pro). The arginine residue is weakly conserved and there is a moderate physicochemical difference between arginine and proline. This variant is not present in population databases (ExAC no frequency). This variant has not been reported in the literature in individuals with ALK-related conditions. Algorithms developed to predict the effect of missense changes on protein structure and function output the following: SIFT: "Deleterious"; PolyPhen-2: "Benign"; Align-GVGD: "Class C0". The proline amino acid residue is found in multiple mammalian species, suggesting that this missense change does not adversely affect protein function. These predictions have not been confirmed by published functional studies and their clinical significance is uncertain. In summary, the available evidence is currently insufficient to determine the role of this variant in disease. Therefore, it has been classified as a Variant of Uncertain Significance.

NM_004304.5(ALK):c.4295G>C (p.Arg1432Pro)

Gene: ALK (ALK receptor tyrosine kinase; minus strand). Cytogenetic location: 2p23.2.
Variant type: single nucleotide variant.
Coding change: c.4295G>C on transcript NM_004304.5 (MANE Select); coding-DNA position 4295, G replaced by C.
Protein change: p.Arg1432Pro; replaces arginine 1432 with proline.
Molecular consequence: missense variant.
Genome position (GRCh38, 1-based): chr2:29,193,792, C>G on the plus strand (G>C on the coding strand, the complement: ALK is on the minus strand). VCF-style: chr2-29193792-C-G. GRCh37 (hg19) VCF-style: chr2-29416658-C-G.
Other names: c.1091G>C, p.Arg364Pro (NM_001353765.2); short protein forms R1432P, R364P.
Identifiers: ClinVar variation 1052915 (VCV001052915.9), dbSNP rs1374838786, ClinGen allele CA346462754.